The following is an entry in ClinVar:

ClinVar aggregate classification (germline): Uncertain significance. Review status: criteria provided, multiple submitters, no conflicts (2 of 4 stars). 3 submissions from 3 submitters: Uncertain significance (3). Last evaluated 2026-03-10.

Conditions:
Rubinstein-Taybi syndrome (RSTS). Identifiers: Orphanet 783, MedGen C0035934, MONDO:0019188.
Menke-Hennekam syndrome 1 (MKHK1). Identifiers: MedGen C5193034, MONDO:0020763, OMIM 618332.
Rubinstein-Taybi syndrome due to CREBBP mutations (RSTS1). Also called: RUBINSTEIN-TAYBI SYNDROME 1, INCOMPLETE; BROAD THUMB-HALLUX SYNDROME; Rubinstein-Taybi syndrome 1; CREBBP-Related Rubinstein-Taybi Syndrome; RUBINSTEIN SYNDROME; BROAD THUMBS AND GREAT TOES, CHARACTERISTIC FACIES, AND IMPAIRED INTELLECTUAL DEVELOPMENT. Identifiers: Orphanet 353277, Orphanet 783, MedGen C4551859, MONDO:0008393, OMIM 180849.

gnomAD v4.1: 27 of 1,613,996 alleles (0.0017%); highest among the groups gnomAD compares: Non-Finnish European, 0.0022%; no homozygotes.

Submissions (3):

Women's Health and Genetics/Laboratory Corporation of America, LabCorp
Classification: Uncertain significance. Last evaluated: 2026-03-10. Review status: criteria provided, single submitter. Criteria: LabCorp Variant Classification Summary - May 2015. Collection method: clinical testing. Allele origin: germline.
Comment: Variant summary: CREBBP c.318G>C (p.Gln106His) results in a non-conservative amino acid change in the encoded protein sequence. Algorithms developed to predict the effect of missense changes on protein structure and function all suggest that this variant is likely to be disruptive. The variant was absent in 251270 control chromosomes. The available data on variant occurrences in the general population are insufficient to allow any conclusion about variant significance. To our knowledge, no occurrence of c.318G>C in individuals affected with CREBBP-related conditions and no experimental evidence demonstrating its impact on protein function have been reported. ClinVar contains an entry for this variant (Variation ID: 2046144). Based on the evidence outlined above, the variant was classified as uncertain significance.

Labcorp Genetics (formerly Invitae), Labcorp
Classification: Uncertain significance for Rubinstein-Taybi syndrome. Last evaluated: 2024-08-13. Review status: criteria provided, single submitter. Criteria: Invitae Variant Classification Sherloc (09022015). Collection method: clinical testing. Allele origin: germline.
Comment: This sequence change replaces glutamine, which is neutral and polar, with histidine, which is basic and polar, at codon 106 of the CREBBP protein (p.Gln106His). The frequency data for this variant in the population databases is considered unreliable, as metrics indicate poor data quality at this position in the gnomAD database. This variant has not been reported in the literature in individuals affected with CREBBP-related conditions. ClinVar contains an entry for this variant (Variation ID: 2046144). Advanced modeling of protein sequence and biophysical properties (such as structural, functional, and spatial information, amino acid conservation, physicochemical variation, residue mobility, and thermodynamic stability) has been performed at Invitae for this missense variant, however the output from this modeling did not meet the statistical confidence thresholds required to predict the impact of this variant on CREBBP protein function. In summary, the available evidence is currently insufficient to determine the role of this variant in disease. Therefore, it has been classified as a Variant of Uncertain Significance.

Fulgent Genetics
Classification: Uncertain significance for Rubinstein-Taybi syndrome due to CREBBP mutations; Menke-Hennekam syndrome 1. Last evaluated: 2024-05-16. Review status: criteria provided, single submitter. Criteria: ACMG Guidelines, 2015. Collection method: clinical testing. Allele origin: germline.

NM_004380.3(CREBBP):c.318G>C (p.Gln106His)

Gene: CREBBP (CREB binding lysine acetyltransferase; minus strand). Cytogenetic location: 16p13.3.
Variant type: single nucleotide variant.
Coding change: c.318G>C on transcript NM_004380.3 (MANE Select); coding-DNA position 318, G replaced by C.
Protein change: p.Gln106His; replaces glutamine 106 with histidine.
Molecular consequence: missense variant.
Genome position (GRCh38, 1-based): chr16:3,850,777, C>G on the plus strand (G>C on the coding strand, the complement: CREBBP is on the minus strand). VCF-style: chr16-3850777-C-G. GRCh37 (hg19) VCF-style: chr16-3900778-C-G.
Other names: c.318G>C, p.Gln106His (NM_001079846.1); short protein forms Q106H.
Identifiers: ClinVar variation 2046144 (VCV002046144.6), dbSNP rs764200811, ClinGen allele CA276987414.